The following is an entry in ClinVar:

NM_001145809.2(MYH14):c.3418C>T (p.Arg1140Trp)

Gene: MYH14 (myosin heavy chain 14; plus strand). Cytogenetic location: 19q13.33.
Variant type: single nucleotide variant.
Coding change: c.3418C>T on transcript NM_001145809.2 (MANE Select); coding-DNA position 3418, C replaced by T.
Protein change: p.Arg1140Trp; replaces arginine 1140 with tryptophan.
Molecular consequence: missense variant.
Genome position (GRCh38, 1-based): chr19:50,272,682, C>T. VCF-style: chr19-50272682-C-T. GRCh37 (hg19) VCF-style: chr19-50775939-C-T.
Other names: c.3319C>T, p.Arg1107Trp (NM_001077186.2); c.3295C>T, p.Arg1099Trp (NM_024729.4); short protein forms R1099W, R1107W, R1140W.
Identifiers: ClinVar variation 1419838 (VCV001419838.8), dbSNP rs748538744, ClinGen allele CA9593210.

ClinVar aggregate classification (germline): Uncertain significance (1 of 4 stars; one submission).

Allele frequency attached by ClinVar (database versions not stated): gnomAD 0.00001; gnomAD exomes 0.00001 and 0.00003; TOPMed 0.00001.
gnomAD v4.1: 14 of 1,553,722 alleles (0.0009%); highest among the groups gnomAD compares: South Asian, 0.0095%; no homozygotes.

Submission:

Labcorp Genetics (formerly Invitae), Labcorp
Classification: Uncertain significance. Last evaluated: 2021-04-03. Review status: criteria provided, single submitter. Criteria: Invitae Variant Classification Sherloc (09022015). Collection method: clinical testing. Allele origin: germline.
Comment: In summary, the available evidence is currently insufficient to determine the role of this variant in disease. Therefore, it has been classified as a Variant of Uncertain Significance. The frequency data for this variant in the population databases is considered unreliable, as metrics indicate poor data quality at this position in the ExAC database. This sequence change replaces arginine with tryptophan at codon 1099 of the MYH14 protein (p.Arg1099Trp). The arginine residue is moderately conserved and there is a moderate physicochemical difference between arginine and tryptophan. This variant has not been reported in the literature in individuals with MYH14-related conditions. Algorithms developed to predict the effect of missense changes on protein structure and function are either unavailable or do not agree on the potential impact of this missense change (SIFT: "Deleterious"; PolyPhen-2: "Possibly Damaging"; Align-GVGD: "Class C0").